The following is an entry in ClinVar:

NM_004563.4(PCK2):c.971A>T (p.Glu324Val)

Genes: NRL (neural retina leucine zipper; minus strand), PCK2 (phosphoenolpyruvate carboxykinase 2, mitochondrial; plus strand). Cytogenetic location: 14q11.2.
Variant type: single nucleotide variant.
Coding change: c.971A>T on transcript NM_004563.4 (MANE Select); coding-DNA position 971, A replaced by T.
Protein change: p.Glu324Val; replaces glutamic acid 324 with valine.
Molecular consequence: missense variant. On other transcripts: intron variant (3).
Genome position (GRCh38, 1-based): chr14:24,099,676, A>T. VCF-style: chr14-24099676-A-T. GRCh37 (hg19) VCF-style: chr14-24568885-A-T.
Other names: c.971A>T, p.Glu324Val (NM_001018073.3); c.569A>T, p.Glu190Val (NM_001291556.2, NM_001308054.2); c.-28+15046T>A (NM_001354768.3, NM_001354770.2); c.-253-14931T>A (NM_006177.5); short protein forms E190V, E324V.
Identifiers: ClinVar variation 4778345 (VCV004778345.1).

ClinVar aggregate classification (germline): Uncertain significance (1 of 4 stars; one submission).

gnomAD v4.1: 6 of 1,613,872 alleles (0.00037%); highest among the groups gnomAD compares: African/African-American, 0.008%; no homozygotes.

Submission:

Labcorp Genetics (formerly Invitae), Labcorp
Classification: Uncertain significance. Last evaluated: 2025-06-29. Review status: criteria provided, single submitter. Criteria: Invitae Variant Classification Sherloc (09022015). Collection method: clinical testing. Allele origin: germline.
Comment: This sequence change replaces glutamic acid, which is acidic and polar, with valine, which is neutral and non-polar, at codon 324 of the PCK2 protein (p.Glu324Val). This variant is present in population databases (rs776607310, gnomAD 0.01%). This variant has not been reported in the literature in individuals affected with PCK2-related conditions. Invitae Evidence Modeling of protein sequence and biophysical properties (such as structural, functional, and spatial information, amino acid conservation, physicochemical variation, residue mobility, and thermodynamic stability) has been performed for this missense variant. However, the output from this modeling did not meet the statistical confidence thresholds required to predict the impact of this variant on PCK2 protein function. Algorithms developed to predict the effect of sequence changes on RNA splicing suggest that this variant may create or strengthen a splice site. In summary, the available evidence is currently insufficient to determine the role of this variant in disease. Therefore, it has been classified as a Variant of Uncertain Significance.